The following is an entry in ClinVar:

ClinVar aggregate classification (germline): Conflicting classifications of pathogenicity. Review status: criteria provided, conflicting classifications (1 of 4 stars). 4 submissions from 4 submitters: Likely pathogenic (1); Uncertain significance (3). Last evaluated 2023-07-11.

Conditions:
Cardiovascular phenotype. Identifiers: MedGen CN230736.
Catecholaminergic polymorphic ventricular tachycardia 5 (CARDAR). Also called: Ventricular tachycardia, catecholaminergic polymorphic, 5, with or without muscle weakness; CARDIAC ARRHYTHMIA SYNDROME, WITH OR WITHOUT SKELETAL MUSCLE WEAKNESS. Identifiers: Orphanet 3286, MedGen C3809536, MONDO:0014191, OMIM 615441.
Catecholaminergic polymorphic ventricular tachycardia 1. Also called: VENTRICULAR TACHYCARDIA, CATECHOLAMINERGIC POLYMORPHIC, 1, WITH OR WITHOUT ATRIAL DYSFUNCTION AND/OR DILATED CARDIOMYOPATHY; VENTRICULAR TACHYCARDIA, STRESS-INDUCED POLYMORPHIC 1; RYR2-Related Catecholaminergic Polymorphic Ventricular Tachycardia. Identifiers: Orphanet 3286, MedGen C1631597, MONDO:0011484, OMIM 604772.

Allele frequency attached by ClinVar (database versions not stated): TOPMed 0.00002; gnomAD 0.00003 and 0.00002.
gnomAD v4.1: 5 of 1,367,188 alleles (0.00037%); highest among the groups gnomAD compares: African/African-American, 0.0045%; no homozygotes.

Submissions (4):

Ambry Genetics
Classification: Uncertain significance for Cardiovascular phenotype. Last evaluated: 2023-07-11. Review status: criteria provided, single submitter. Criteria: Ambry Variant Classification Scheme 2023. Collection method: clinical testing. Allele origin: germline.
Comment: The c.1420+1G>T intronic variant results from a G to T substitution one nucleotide after coding exon 22 of the TRDN gene. This nucleotide position is highly conserved in available vertebrate species. In silico splice site analysis predicts that this alteration will weaken the native splice donor site. Alterations that disrupt the canonical splice site are expected to cause aberrant splicing, resulting in an abnormal protein or a transcript that is subject to nonsense-mediated mRNA decay. However, this alteration does not impact the predominant cardiac isoform of TRDN (NM_001256021.1; Kobayashi YM et al. J. Biol. Chem., 1999 Oct;274:28660-8). Since supporting evidence is limited at this time, the clinical significance of this alteration remains unclear.

Labcorp Genetics (formerly Invitae), Labcorp
Classification: Uncertain significance for Catecholaminergic polymorphic ventricular tachycardia 1. Last evaluated: 2022-02-08. Review status: criteria provided, single submitter. Criteria: Invitae Variant Classification Sherloc (09022015). Collection method: clinical testing. Allele origin: germline.
Comment: This sequence change affects a donor splice site in intron 22 of the TRDN gene. It is expected to disrupt RNA splicing. Variants that disrupt the donor or acceptor splice site typically lead to a loss of protein function (PMID: 16199547), however the current clinical and genetic evidence is not sufficient to establish whether loss-of-function variants in TRDN cause disease. This variant is present in population databases (no rsID available, gnomAD 0.007%). This variant has not been reported in the literature in individuals affected with TRDN-related conditions. ClinVar contains an entry for this variant (Variation ID: 452344). Algorithms developed to predict the effect of sequence changes on RNA splicing suggest that this variant may disrupt the consensus splice site. In summary, the available evidence is currently insufficient to determine the role of this variant in disease. Therefore, it has been classified as a Variant of Uncertain Significance.

Revvity Omics, Revvity
Classification: Likely pathogenic for Catecholaminergic polymorphic ventricular tachycardia 5. Last evaluated: 2021-08-18. Review status: criteria provided, single submitter. Criteria: ACMG Guidelines, 2015. Collection method: clinical testing. Allele origin: germline.

GeneDx
Classification: Uncertain significance. Last evaluated: 2017-09-29. Review status: criteria provided, single submitter. Criteria: GeneDx Variant Classification (06012015). Collection method: clinical testing. Allele origin: germline. Affected: yes.
Comment: A variant of uncertain significance has been identified in the TRDN gene. The c.1420+1 G>T variant has not been published as pathogenic or been reported as benign to our knowledge. This variant is not observed at a significant frequency in large population cohorts (Lek et al., 2016). The c.1420+1 G>T variant is predicted to destroy the canonical splice donor site in intron 22 and may lead to abnormal gene splicing. This variant is predicted to lead to either an abnormal message that is subject to nonsense-mediated mRNA decay, or to an abnormal protein product if the message is used for protein translation. However, only one other splice site variant in the TRDN gene have been reported in HGMD in association with arrhythmia (Stenson et al., 2014).

Literature cited by the submitters: PubMed 16199547 (cited by Labcorp Genetics (formerly Invitae), Labcorp).

NM_006073.4(TRDN):c.1420+1G>T

Gene: TRDN (triadin; minus strand). Cytogenetic location: 6q22.31.
Variant type: single nucleotide variant.
Coding change: c.1420+1G>T on transcript NM_006073.4 (MANE Select); the canonical splice donor site of the intron after coding-DNA position 1420, G replaced by T.
Molecular consequence: splice donor variant.
Genome position (GRCh38, 1-based): chr6:123,337,618, C>A on the plus strand (G>T on the coding strand, the complement: TRDN is on the minus strand). VCF-style: chr6-123337618-C-A. GRCh37 (hg19) VCF-style: chr6-123658763-C-A.
Other names: c.1420+1G>T (NM_006073.2).
Identifiers: ClinVar variation 452344 (VCV000452344.10), dbSNP rs1375657667, ClinGen allele CA365564693.